The following is an entry in ClinVar:

NM_133259.4(LRPPRC):c.526G>T (p.Glu176Ter)

Gene: LRPPRC (leucine rich pentatricopeptide repeat containing; minus strand). Cytogenetic location: 2p21.
Variant type: single nucleotide variant.
Coding change: c.526G>T on transcript NM_133259.4 (MANE Select); coding-DNA position 526, G replaced by T.
Protein change: p.Glu176Ter; replaces glutamic acid 176 with a stop codon.
Molecular consequence: nonsense.
Genome position (GRCh38, 1-based): chr2:43,977,220, C>A on the plus strand (G>T on the coding strand, the complement: LRPPRC is on the minus strand). VCF-style: chr2-43977220-C-A. GRCh37 (hg19) VCF-style: chr2-44204359-C-A.
Other names: short protein forms E176*.
Identifiers: ClinVar variation 4816494 (VCV004816494.1).

ClinVar aggregate classification (germline): Likely pathogenic (1 of 4 stars; one submission).

Conditions:
Congenital lactic acidosis, Saguenay-Lac-Saint-Jean type (MC4DN5). Also called: CYTOCHROME c OXIDASE DEFICIENCY, FRENCH CANADIAN TYPE; COX DEFICIENCY, FRENCH CANADIAN TYPE; MITOCHONDRIAL COMPLEX IV DEFICIENCY, NUCLEAR TYPE 5. Identifiers: Orphanet 70472, MedGen C1857355, MONDO:0009069, OMIM 220111.

Submission:

Natera, Inc.
Classification: Likely pathogenic for French-Canadian type Leigh syndrome. Last evaluated: 2024-12-02. Review status: criteria provided, single submitter. Criteria: Natera Variant Classification Schema (03/2026). Collection method: clinical testing. Allele origin: germline.
Comment: The c.526G>T variant in LRPPRC is a nonsense variant predicted to introduce a stop codon at amino acid 176. This variant is expected to result in nonsense mediated decay, truncation, or a dysfunctional protein product. This variant is rare in the general population with a frequency below the threshold expected for the associated phenotype(s). Given the available evidence, this variant is classified as Likely Pathogenic.